The following is an entry in ClinVar:

ClinVar aggregate classification (germline): Likely pathogenic (1 of 4 stars; one submission).

Conditions:
Retinitis pigmentosa 28 (RP28). Identifiers: Orphanet 791, MedGen C1419614, MONDO:0011630, OMIM 606068.

gnomAD v4.1: 5 of 1,613,690 alleles (0.00031%); highest among the groups gnomAD compares: Non-Finnish European, 0.00034%; no homozygotes.

Submission:

Natera, Inc.
Classification: Likely pathogenic for Retinitis pigmentosa type 28. Last evaluated: 2024-11-15. Review status: criteria provided, single submitter. Criteria: Natera Variant Classification Schema (03/2026). Collection method: clinical testing. Allele origin: germline.
Comment: The c.787G>T variant in FAM161A is a nonsense variant predicted to introduce a stop codon at amino acid 263. This variant is expected to result in nonsense mediated decay, truncation, or a dysfunctional protein product. This variant is rare in the general population with a frequency below the threshold expected for the associated phenotype(s). Given the available evidence, this variant is classified as Likely Pathogenic.

NM_001201543.2(FAM161A):c.787G>T (p.Glu263Ter)

Gene: FAM161A (FAM161 centrosomal protein A; minus strand). Cytogenetic location: 2p15.
Variant type: single nucleotide variant.
Coding change: c.787G>T on transcript NM_001201543.2 (MANE Select); coding-DNA position 787, G replaced by T.
Protein change: p.Glu263Ter; replaces glutamic acid 263 with a stop codon.
Molecular consequence: nonsense. On other transcripts: non-coding transcript variant (1).
Genome position (GRCh38, 1-based): chr2:61,840,217, C>A on the plus strand (G>T on the coding strand, the complement: FAM161A is on the minus strand). VCF-style: chr2-61840217-C-A. GRCh37 (hg19) VCF-style: chr2-62067352-C-A.
Other names: c.787G>T, p.Glu263Ter (NM_032180.3); short protein forms E263*.
Identifiers: ClinVar variation 4814695 (VCV004814695.1).